The following is an entry in ClinVar:

NM_025152.3(NUBPL):c.448del (p.Glu150fs)

Gene: NUBPL (NUBP iron-sulfur cluster assembly factor, mitochondrial; plus strand). Cytogenetic location: 14q12.
Variant type: Deletion.
Coding change: c.448del on transcript NM_025152.3 (MANE Select); coding-DNA position 448, one base deleted (G; older notation c.448delG).
Protein change: p.Glu150fs; shifts the reading frame from glutamic acid 150.
Molecular consequence: frameshift variant. On other transcripts: non-coding transcript variant (1).
Genome position (GRCh38, 1-based): chr14:31,673,509, G deleted. VCF-style (leftmost placement, unchanged base first): chr14-31673508-AG-A. GRCh37 (hg19) VCF-style: chr14-32142714-AG-A.
Other names: c.160del, p.Glu54fs (NM_001201573.2); short protein forms E150fs, E54fs.
Identifiers: ClinVar variation 3764546 (VCV003764546.1).

ClinVar aggregate classification (germline): Likely pathogenic (1 of 4 stars; one submission).

Conditions:
Mitochondrial complex I deficiency, nuclear type 21. Also called: Mitochondrial complex 1 deficiency, nuclear type 21. Identifiers: MedGen C4748792, MONDO:0032625, OMIM 618242.

Submission:

Daryl Scott Lab, Baylor College of Medicine
Classification: Likely pathogenic for Mitochondrial complex I deficiency, nuclear type 21. Last evaluated: 2024-01-01. Review status: criteria provided, single submitter. Criteria: ACMG Guidelines, 2015. Collection method: clinical testing. Allele origin: paternal. Observed: 1 heterozygote.
Comment: PVS1, PM2